The following is an entry in ClinVar:

NM_019888.3(MC3R):c.134T>C (p.Phe45Ser)

Gene: MC3R (melanocortin 3 receptor; plus strand). Cytogenetic location: 20q13.2.
Variant type: single nucleotide variant.
Coding change: c.134T>C on transcript NM_019888.3 (MANE Select); coding-DNA position 134, T replaced by C.
Protein change: p.Phe45Ser; replaces phenylalanine 45 with serine.
Molecular consequence: missense variant.
Genome position (GRCh38, 1-based): chr20:56,248,977, T>C. VCF-style: chr20-56248977-T-C. GRCh37 (hg19) VCF-style: chr20-54824033-T-C.
Other names: short protein forms F45S.
Identifiers: ClinVar variation 1708436 (VCV001708436.7), dbSNP rs143321797, ClinGen allele CA9916934.

ClinVar aggregate classification (germline): Uncertain significance. Review status: criteria provided, multiple submitters, no conflicts (2 of 4 stars). 2 submissions from 2 submitters: Uncertain significance (2). Last evaluated 2026-06-08.

Conditions:
MC3R-related disorder. Also called: MC3R-related condition.

Allele frequency attached by ClinVar (database versions not stated): ExAC 0.00005; TOPMed 0.00012; gnomAD 0.00015; ESP Exome Variant Server 0.00031; gnomAD exomes 0.00042.

Submissions (2):

PreventionGenetics, part of Exact Sciences
Classification: Uncertain significance for MC3R-related condition. Last evaluated: 2026-06-08. Review status: criteria provided, single submitter. Criteria: ACMG Guidelines, 2015. Collection method: clinical testing. Allele origin: germline.
Comment: The MC3R c.134T>C variant is predicted to result in the amino acid substitution p.Phe45Ser. This variant, also described as c.245T>C, p.Phe82Ser in legacy literature, has been reported in the heterozygous state in individuals with constitutional delay of growth and puberty (CDGP, Lam et al. 2021. PubMed ID: 34732894; Duckett K. et al. 2023. PubMed ID: 37339320), in individuals with severe obesity (Zheng Y. et al. 2023. PubMed ID: 37369769), and in lean musculature control individuals (Calton et al. 2009. PubMed ID: 19091795). This variant has been reported to be paternally inherited in an individual with CDGP whose father also had a history of delayed puberty (Duckett K. et al. 2023. PubMed ID: 37339320). In vitro experimental studies suggest this variant causes complete loss of function resulting in severely impaired signaling and expression (Yang et al. 2015. PubMed ID: 25798062; Singh and Mahalingam. 2017. PubMed ID: 28073065; Lam et al. 2021. PubMed ID: 34732894). This variant is reported in 0.016% of alleles in individuals of European (non-Finnish) descent in gnomAD. However, in gnomAD v4 (available only on GRCh38), this variant is reported in 0.051% of alleles in an European (non-Finnish) subpopulation which may be too frequent to be a primary cause of disease. At this time, the clinical significance of this variant is uncertain due to the absence of conclusive functional and genetic evidence.

Centre of Medical Genetics, University Hospital Muenster
Classification: Uncertain significance. Last evaluated: 2021-12-20. Review status: criteria provided, single submitter. Criteria: ACMG Guidelines, 2015. Collection method: clinical testing. Allele origin: unknown. Affected: yes. Observed: 1 variant allele, 1 heterozygote.
Comment: ACMG categories: PP3

Literature cited by the submitters: PubMed 19091795 (cited by Centre of Medical Genetics, University Hospital Muenster).